The following is an entry in ClinVar:

ClinVar aggregate classification (germline): Uncertain significance (1 of 4 stars; one submission).

Conditions:
Early-infantile DEE. Also called: Ohtahara syndrome; Early infantile epileptic encephalopathy; Early infantile epileptic encephalopathy with suppression bursts. Identifiers: Orphanet 1934, MedGen C0393706, MONDO:0800491.

Submission:

Labcorp Genetics (formerly Invitae), Labcorp
Classification: Uncertain significance for Early-infantile DEE. Last evaluated: 2020-12-02. Review status: criteria provided, single submitter. Criteria: Invitae Variant Classification Sherloc (09022015). Collection method: clinical testing. Allele origin: germline.
Comment: In summary, the available evidence is currently insufficient to determine the role of this variant in disease. Therefore, it has been classified as a Variant of Uncertain Significance. Algorithms developed to predict the effect of missense changes on protein structure and function are either unavailable or do not agree on the potential impact of this missense change (SIFT: "Tolerated"; PolyPhen-2: "Possibly Damaging"; Align-GVGD: "Class C0"). This variant has not been reported in the literature in individuals with CACNA2D2-related conditions. This variant is not present in population databases (ExAC no frequency). This sequence change replaces asparagine with serine at codon 393 of the CACNA2D2 protein (p.Asn393Ser). The asparagine residue is moderately conserved and there is a small physicochemical difference between asparagine and serine.

NM_006030.4(CACNA2D2):c.1178A>G (p.Asn393Ser)

Gene: CACNA2D2 (calcium voltage-gated channel auxiliary subunit alpha2delta 2; minus strand). Cytogenetic location: 3p21.31.
Variant type: single nucleotide variant.
Coding change: c.1178A>G on transcript NM_006030.4 (MANE Select); coding-DNA position 1178, A replaced by G.
Protein change: p.Asn393Ser; replaces asparagine 393 with serine.
Molecular consequence: missense variant.
Genome position (GRCh38, 1-based): chr3:50,379,174, T>C on the plus strand (A>G on the coding strand, the complement: CACNA2D2 is on the minus strand). VCF-style: chr3-50379174-T-C. GRCh37 (hg19) VCF-style: chr3-50416605-T-C.
Other names: c.1178A>G, p.Asn393Ser (NM_001005505.3, NM_001174051.3); c.971A>G, p.Asn324Ser (NM_001291101.1); short protein forms N393S, N324S.
Identifiers: ClinVar variation 1490392 (VCV001490392.9), dbSNP rs2106659467, ClinGen allele CA352934588.
Genomic context (GRCh38, chr3:50,379,174, plus strand): 5'-TTCTCAAAGACGTCCTGCACGCGGTCCTCACCACCATCCGTGAACATCATGATCATCTTG[T>C]TGCAGTTGGCCCGAGTGATGTTGGACTGAGGGGAGTGAGGCGGAGGCAGGCAGCTCTCAG-3'
Protein context (NP_006021.2, residues 383-403): QNSNITRANC[Asn393Ser]KMIMMFTDGG